The following is an entry in ClinVar:

ClinVar aggregate classification (germline): Uncertain significance (1 of 4 stars; one submission).

Conditions:
Primary dilated cardiomyopathy (DCM). Also called: Dilated Cardiomyopathy. Identifiers: Orphanet 217604, MedGen C0007193, MeSH D002311, MONDO:0005021, HP:0001644. Inheritance: Various modes of inheritance.

Allele frequency attached by ClinVar (database versions not stated): TOPMed 0.00001.

Submission:

Labcorp Genetics (formerly Invitae), Labcorp
Classification: Uncertain significance for Primary dilated cardiomyopathy. Last evaluated: 2025-01-11. Review status: criteria provided, single submitter. Criteria: Invitae Variant Classification Sherloc (09022015). Collection method: clinical testing. Allele origin: germline.
Comment: This sequence change falls in intron 14 of the NEBL gene. It does not directly change the encoded amino acid sequence of the NEBL protein. This variant is not present in population databases (gnomAD no frequency). This variant has not been reported in the literature in individuals affected with NEBL-related conditions. ClinVar contains an entry for this variant (Variation ID: 3022129). Algorithms developed to predict the effect of sequence changes on RNA splicing suggest that this variant may create or strengthen a splice site. In summary, the available evidence is currently insufficient to determine the role of this variant in disease. Therefore, it has been classified as a Variant of Uncertain Significance.

NM_006393.3(NEBL):c.1449+12G>A

Gene: NEBL (nebulette; minus strand). Cytogenetic location: 10p12.31.
Variant type: single nucleotide variant.
Coding change: c.1449+12G>A on transcript NM_006393.3 (MANE Select); 12 bases into the intron after coding-DNA position 1449, G replaced by A.
Molecular consequence: intron variant.
Genome position (GRCh38, 1-based): chr10:20,835,501, C>T on the plus strand (G>A on the coding strand, the complement: NEBL is on the minus strand). VCF-style: chr10-20835501-C-T. GRCh37 (hg19) VCF-style: chr10-21124430-C-T.
Other names: c.250-22561G>A (NM_001377326.1, NM_001377327.1, NM_001377328.1); c.358-22561G>A (NM_213569.2, NM_001173484.2, NM_001377322.1); c.301-22561G>A (NM_001377324.1); c.292-22561G>A (NM_001377325.1); c.310-22561G>A (NM_001377323.1).
Identifiers: ClinVar variation 3022129 (VCV003022129.3), dbSNP rs1840789584, ClinGen allele CA1895383640.
Genomic context (GRCh38, chr10:20,835,501, plus strand): 5'-ATCAAGTTGCTAATACGATTTGTTAGGTTCCAAAATATGAGTCTTAAGGCCTGCATCACG[C>T]ACCCTACTAACCTCACTCGCTATCTCTGCAGCCTTCTTGGCATGCTGCATTTCAAGGGTG-3'